The following is an entry in ClinVar:

NM_020163.3(SEMA3G):c.75C>A (p.Ser25Arg)

Gene: SEMA3G (semaphorin 3G; minus strand). Cytogenetic location: 3p21.1.
Variant type: single nucleotide variant.
Coding change: c.75C>A on transcript NM_020163.3 (MANE Select); coding-DNA position 75, C replaced by A.
Protein change: p.Ser25Arg; replaces serine 25 with arginine.
Molecular consequence: missense variant.
Genome position (GRCh38, 1-based): chr3:52,444,953, G>T on the plus strand (C>A on the coding strand, the complement: SEMA3G is on the minus strand). VCF-style: chr3-52444953-G-T. GRCh37 (hg19) VCF-style: chr3-52478969-G-T.
Other names: short protein forms S25R.
Identifiers: ClinVar variation 2636043 (VCV002636043.3), dbSNP rs372203259, ClinGen allele CA2438459.
Genomic context (GRCh38, chr3:52,444,953, plus strand): 5'-GGGCACGCAGGGGCTGGTACCTCGGTAGGAGAGCCGCAGGCGGGGCACACTGGGGCCGGG[G>T]CTGGGGCCAGAGCTACCCCCATGGAGCAGGAGGCCCCCTAGCAGCCAGCAAATGGCCCAG-3'
Protein context (NP_064548.1, residues 15-35): LLLHGGSSGP[Ser25Arg]PGPSVPRLRL

ClinVar aggregate classification (germline): Uncertain significance (0 of 4 stars; one submission).

Conditions:
SEMA3G-related disorder. Also called: SEMA3G-related condition.

Allele frequency attached by ClinVar (database versions not stated): ESP Exome Variant Server 0.00017; ExAC 0.00019; TOPMed 0.00029; gnomAD 0.00030.
gnomAD v4.1: 57 of 1,303,658 alleles (0.0044%); highest among the groups gnomAD compares: African/African-American, 0.086%; 1 homozygote.

Submission:

PreventionGenetics, part of Exact Sciences
Classification: Uncertain significance for SEMA3G-related condition. Last evaluated: 2024-09-17. Review status: no assertion criteria provided. Collection method: clinical testing. Allele origin: germline.
Comment: The SEMA3G c.75C>A variant is predicted to result in the amino acid substitution p.Ser25Arg. To our knowledge, this variant has not been reported in the literature. This variant is reported in 0.086% of alleles in individuals of African descent in gnomAD, which may be too common to be an unreported disease causing variant. Although we suspect that this variant may be benign, at this time, the clinical significance of this variant is uncertain due to the absence of conclusive functional and genetic evidence.